The following is an entry in ClinVar:

NM_001750.7(CAST):c.1648C>T (p.Arg550Cys)

Gene: CAST (calpastatin; plus strand). Cytogenetic location: 5q15.
Variant type: single nucleotide variant.
Coding change: c.1648C>T on transcript NM_001750.7 (MANE Select); coding-DNA position 1648, C replaced by T.
Protein change: p.Arg550Cys; replaces arginine 550 with cysteine.
Molecular consequence: missense variant. On other transcripts: non-coding transcript variant (1).
Genome position (GRCh38, 1-based): chr5:96,754,679, C>T. VCF-style: chr5-96754679-C-T. GRCh37 (hg19) VCF-style: chr5-96090383-C-T.
Other names: c.1525C>T (NM_001042440.4); c.1525C>T, p.Arg509Cys (NM_001042440.5, NM_001330627.2); c.1591C>T, p.Arg531Cys (NM_001042441.3); c.1582C>T, p.Arg528Cys (NM_001042442.3); c.1399C>T, p.Arg467Cys (NM_001042443.3, NM_001423250.1); c.1276C>T, p.Arg426Cys (NM_001042444.3, NM_001284212.4); c.1294C>T, p.Arg432Cys (NM_001042445.3, NM_001423255.1, NM_001423256.1 and 3 more transcripts); c.1237C>T, p.Arg413Cys (NM_001042446.3, NM_001330630.2, NM_001423260.1); and 9 more; short protein forms R395C, R413C, R426C, R432C, R435C, R445C, R448C, R454C.
Identifiers: ClinVar variation 3384355 (VCV003384355.2).

ClinVar aggregate classification (germline): Uncertain significance. Review status: criteria provided, multiple submitters, no conflicts (2 of 4 stars). 2 submissions from 2 submitters: Uncertain significance (2). Last evaluated 2025-04-03.

Conditions:
CAST-related disorder. Also called: CAST-related condition.

gnomAD v4.1: 373 of 1,606,734 alleles (0.023%); highest among the groups gnomAD compares: African/African-American, 0.079%; 1 homozygote.

Submissions (2):

PreventionGenetics, part of Exact Sciences
Classification: Uncertain significance for CAST-related condition. Last evaluated: 2025-04-03. Review status: criteria provided, single submitter. Criteria: ACMG Guidelines, 2015. Collection method: clinical testing. Allele origin: germline.
Comment: The CAST c.1525C>T variant is predicted to result in the amino acid substitution p.Arg509Cys. This variant was reported in an individual with keratoconus (Supplementary Data, Lucas et al. 2018. PubMed ID: 29924831). This variant is reported in 0.056% of alleles in individuals of African descent in gnomAD, which is more common than expected for a pathogenic variant. Although we suspect that this variant may be benign, at this time, the clinical significance of this variant is uncertain due to the absence of conclusive functional and genetic evidence.

GeneDx
Classification: Uncertain significance. Last evaluated: 2024-06-07. Review status: criteria provided, single submitter. Criteria: GeneDx Variant Classification Process June 2021. Collection method: clinical testing. Allele origin: germline. Affected: yes.
Comment: Has not been previously reported as pathogenic or benign in association with CAST-related disorders to our knowledge; In silico analysis supports that this missense variant has a deleterious effect on protein structure/function; This variant is associated with the following publications: (PMID: 29924831)